The following is an entry in ClinVar:

ClinVar aggregate classification (germline): Pathogenic/Likely pathogenic. Review status: criteria provided, multiple submitters, no conflicts (2 of 4 stars). 7 submissions from 7 submitters: Pathogenic (1); Likely pathogenic (6). Last evaluated 2026-04-01.

Conditions:
GALT-related disorder. Also called: GALT-related condition.
Galactosemia. Also called: Galactose intolerance. Identifiers: Orphanet 352, MedGen C0016952, MONDO:0018116, HP:0004919. Disease mechanism: loss of function.
Deficiency of UDPglucose-hexose-1-phosphate uridylyltransferase. Also called: GALACTOSE-1-PHOSPHATE URIDYLYLTRANSFERASE DEFICIENCY; GALT deficiency; Galactosemia, classic; Transferase Deficiency Galactosemia; GALACTOSEMIA I. Identifiers: Orphanet 352, Orphanet 79239, MedGen C0268151, MONDO:0009258, OMIM 230400.

Allele frequency attached by ClinVar (database versions not stated): gnomAD exomes below 0.00001 and 0.00001; ExAC 0.00001; gnomAD 0.00001.
gnomAD v4.1: 14 of 1,614,006 alleles (0.00087%); highest among the groups gnomAD compares: African/African-American, 0.0027%; no homozygotes.

Submissions (7):

Clinical Genomics Laboratory, Washington University in St. Louis
Classification: Likely pathogenic for Deficiency of UDPglucose-hexose-1-phosphate uridylyltransferase. Last evaluated: 2026-04-01. Review status: criteria provided, single submitter. Criteria: ACMG Guidelines, 2015. Collection method: clinical testing. Allele origin: germline. Affected: yes.
Comment: The GALT c.983G>A (p.Arg328His) variant has been reported in at least two individuals affected with galactosemia (AlBanji MH et al., PMID: 33101984; Özgül RK et al., PMID: 23924834). Of those individuals, one individual was homozygous for the variant (AlBanji MH et al., PMID: 33101984). This variant has been reported in the ClinVar database as a germline pathogenic variant by one submitter and a likely pathogenic variant by four submitters. This variant is only observed on 14/1,614,006 alleles in the general population (gnomAD v4.1.0), indicating it is not a common variant. Computational predictors indicate that the variant is damaging, evidence that correlates with impact on GALT function. Additionally, another variant in the same codon, c.982C>T (p.Arg328Cys), has been described in an affected individual and is considered pathogenic/likely pathogenic (Boutron A et al., PMID: 22944367; Forges T et al., PMID: 20663501; ClinVar ID: 381664). Based on available information and the ACMG/AMP guidelines for variant interpretation (Richards S et al., PMID: 25741868), this variant is classified as likely pathogenic.

Natera, Inc.
Classification: Likely pathogenic for Galactosemia. Last evaluated: 2026-01-27. Review status: criteria provided, single submitter. Criteria: Natera Variant Classification Schema (03/2026). Collection method: clinical testing. Allele origin: germline.
Comment: The c.983G>A variant in GALT is a missense variant predicted to cause substitution of arginine to histidine at amino acid 328. This variant is rare in the general population with a frequency below the threshold expected for the associated phenotype(s). This variant has been observed in one or more individuals affected with the associated recessive disease, as either homozygous or compound heterozygous with a second variant (PMID: 33101984, 35677809, 38778342). A different variant at the same position has been determined to be Pathogenic or Likely Pathogenic. Computational prediction algorithms indicate this variant is likely to affect gene or protein function. Given the available evidence, this variant is classified as Likely Pathogenic.

Labcorp Genetics (formerly Invitae), Labcorp
Classification: Likely pathogenic for Deficiency of UDPglucose-hexose-1-phosphate uridylyltransferase. Last evaluated: 2025-12-19. Review status: criteria provided, single submitter. Criteria: Invitae Variant Classification Sherloc (09022015). Collection method: clinical testing. Allele origin: germline.
Comment: This sequence change replaces arginine, which is basic and polar, with histidine, which is basic and polar, at codon 328 of the GALT protein (p.Arg328His). This variant is present in population databases (rs111033802, gnomAD 0.0009%). This missense change has been observed in individual(s) with clinical features of galactosemia (PMID: 33101984). ClinVar contains an entry for this variant (Variation ID: 25309). Invitae Evidence Modeling of protein sequence and biophysical properties (such as structural, functional, and spatial information, amino acid conservation, physicochemical variation, residue mobility, and thermodynamic stability) indicates that this missense variant is expected to disrupt GALT protein function with a positive predictive value of 95%. This variant disrupts the p.Arg328 amino acid residue in GALT. Other variant(s) that disrupt this residue have been determined to be pathogenic (PMID: 20663501). This suggests that this residue is clinically significant, and that variants that disrupt this residue are likely to be disease-causing. In summary, the currently available evidence indicates that the variant is pathogenic, but additional data are needed to prove that conclusively. Therefore, this variant has been classified as Likely Pathogenic.

Blueprint Genetics
Classification: Likely pathogenic for GALT-related disorders. Last evaluated: 2024-03-16. Review status: criteria provided, single submitter. Criteria: ACMG Guidelines, 2015. Collection method: clinical testing. Allele origin: germline. Affected: yes. Observed: 2 variant alleles.

Baylor Genetics
Classification: Pathogenic for Deficiency of UDPglucose-hexose-1-phosphate uridylyltransferase. Last evaluated: 2024-02-10. Review status: criteria provided, single submitter. Criteria: ACMG Guidelines, 2015. Collection method: clinical testing. Allele origin: unknown.

Fulgent Genetics
Classification: Likely pathogenic for Deficiency of UDPglucose-hexose-1-phosphate uridylyltransferase. Last evaluated: 2024-01-17. Review status: criteria provided, single submitter. Criteria: ACMG Guidelines, 2015. Collection method: clinical testing. Allele origin: germline.

Women's Health and Genetics/Laboratory Corporation of America, LabCorp
Classification: Likely pathogenic for Deficiency of UDPglucose-hexose-1-phosphate uridylyltransferase. Last evaluated: 2018-11-26. Review status: criteria provided, single submitter. Criteria: LabCorp Variant Classification Summary - May 2015. Collection method: clinical testing. Allele origin: germline.
Comment: Variant summary: GALT c.983G>A (p.Arg328His) results in a non-conservative amino acid change located in the Galactose-1-phosphate uridyl transferase, C-terminal domain of the encoded protein sequence. Five of five in-silico tools predict a damaging effect of the variant on protein function, including one computational study that considers the Arg328 H-bond with Arg-51 essential for protein function (Facchiano_2009). The variant allele was found at a frequency of 4.1e-06 in 246246 control chromosomes (gnomAD). The variant, c.983G>A, has been reported in the literature in individuals affected with Galactosemia, including a homozygote (Ozgul_2013, Elsas_1998). These data indicate that the variant may be associated with disease. To our knowledge, no experimental evidence demonstrating an impact on protein function has been reported. No clinical diagnostic laboratories have submitted clinical-significance assessments for this variant to ClinVar after 2014, with one lab calling it pathogenic in 2012. A different variant affecting the same codon, c.982C>T (p.Arg328Cys), was classified as likely pathogenic internally, suggesting this codon could play an important role in protein function. Based on the evidence outlined above, the variant was classified as likely pathogenic.

Literature cited by the submitters: PubMed 33101984 (cited by Natera, Inc. and Labcorp Genetics (formerly Invitae), Labcorp); PubMed 35677809 (cited by Natera, Inc.); PubMed 38778342 (cited by Natera, Inc.); PubMed 20663501 (cited by Labcorp Genetics (formerly Invitae), Labcorp and Women's Health and Genetics/Laboratory Corporation of America, LabCorp); PubMed 20008339 (cited by Women's Health and Genetics/Laboratory Corporation of America, LabCorp); PubMed 11261429 (cited by Women's Health and Genetics/Laboratory Corporation of America, LabCorp); PubMed 23924834 (cited by Women's Health and Genetics/Laboratory Corporation of America, LabCorp).

NM_000155.4(GALT):c.983G>A (p.Arg328His)

Gene: GALT (galactose-1-phosphate uridylyltransferase; plus strand). Cytogenetic location: 9p13.3.
Variant type: single nucleotide variant.
Coding change: c.983G>A on transcript NM_000155.4 (MANE Select); coding-DNA position 983, G replaced by A.
Protein change: p.Arg328His; replaces arginine 328 with histidine.
Molecular consequence: missense variant.
Genome position (GRCh38, 1-based): chr9:34,649,488, G>A. VCF-style: chr9-34649488-G-A. GRCh37 (hg19) VCF-style: chr9-34649485-G-A.
Other names: c.656G>A, p.Arg219His (NM_001258332.2); c.983G>A (NM_000155.3); short protein forms R219H.
Identifiers: ClinVar variation 25309 (VCV000025309.17), dbSNP rs111033802, ClinGen allele CA259558.